The following is an entry in ClinVar:

ClinVar aggregate classification (germline): Likely benign (1 of 4 stars; one submission).

Conditions:
Familial cancer of breast. Also called: hereditary breast carcinoma; Hereditary breast cancer; BREAST CANCER, FAMILIAL. Identifiers: Orphanet 227535, MedGen C0346153, MONDO:0016419, OMIM 114480. Disease mechanism: loss of function.

Submission:

Myriad Genetics, Inc.
Classification: Likely benign for Familial cancer of breast. Last evaluated: 2024-08-28. Review status: criteria provided, single submitter. Criteria: Myriad Autosomal Dominant, Autosomal Recessive and X-Linked Classification Criteria (2023). Collection method: clinical testing. Allele origin: unknown.
Comment: This variant is considered likely benign. This variant is intronic and is not expected to impact mRNA splicing.

NM_032043.3(BRIP1):c.1628+10G>C

Gene: BRIP1 (BRCA1 interacting DNA helicase 1; minus strand). Cytogenetic location: 17q23.2.
Variant type: single nucleotide variant.
Coding change: c.1628+10G>C on transcript NM_032043.3 (MANE Select); 10 bases into the intron after coding-DNA position 1628, G replaced by C.
Molecular consequence: intron variant.
Genome position (GRCh38, 1-based): chr17:61,784,260, C>G on the plus strand (G>C on the coding strand, the complement: BRIP1 is on the minus strand). VCF-style: chr17-61784260-C-G. GRCh37 (hg19) VCF-style: chr17-59861621-C-G.
Identifiers: ClinVar variation 3378695 (VCV003378695.1).
Genomic context (GRCh38, chr17:61,784,260, plus strand): 5'-TTAAACACATGCTAGCATCCAAATTAGGCTATTTTTAAAAGGAAAATACATACTAGTTAT[C>G]TTCACTTACCTGCTATTTTGCCTAAAAAGATAGTCAAGTACCATAAAAAGTCCTTTAAGC-3'